The following is an entry in ClinVar:

ClinVar aggregate classification (germline): Uncertain significance. Review status: criteria provided, multiple submitters, no conflicts (2 of 4 stars). 2 submissions from 2 submitters: Uncertain significance (2). Last evaluated 2025-05-29.

Conditions:
Inborn genetic diseases. Identifiers: MedGen C0950123, MeSH D030342.

Allele frequency attached by ClinVar (database versions not stated): gnomAD 0.00003; TOPMed 0.00005; gnomAD exomes below 0.00001.
gnomAD v4.1: 7 of 1,613,578 alleles (0.00043%); highest among the groups gnomAD compares: Admixed American, 0.01%; no homozygotes.

Submissions (2):

Ambry Genetics
Classification: Uncertain significance for Inborn genetic diseases. Last evaluated: 2025-05-29. Review status: criteria provided, single submitter. Criteria: Ambry Variant Classification Scheme 2023. Collection method: clinical testing. Allele origin: germline.

Labcorp Genetics (formerly Invitae), Labcorp
Classification: Uncertain significance. Last evaluated: 2022-03-18. Review status: criteria provided, single submitter. Criteria: Invitae Variant Classification Sherloc (09022015). Collection method: clinical testing. Allele origin: germline.
Comment: This sequence change replaces cysteine, which is neutral and slightly polar, with serine, which is neutral and polar, at codon 1192 of the LTBP2 protein (p.Cys1192Ser). This variant is present in population databases (no rsID available, gnomAD 0.003%). This variant has not been reported in the literature in individuals affected with LTBP2-related conditions. Algorithms developed to predict the effect of missense changes on protein structure and function (SIFT, PolyPhen-2, Align-GVGD) all suggest that this variant is likely to be disruptive. In summary, the available evidence is currently insufficient to determine the role of this variant in disease. Therefore, it has been classified as a Variant of Uncertain Significance.

NM_000428.3(LTBP2):c.3575G>C (p.Cys1192Ser)

Gene: LTBP2 (latent transforming growth factor beta binding protein 2; minus strand). Cytogenetic location: 14q24.3.
Variant type: single nucleotide variant.
Coding change: c.3575G>C on transcript NM_000428.3 (MANE Select); coding-DNA position 3575, G replaced by C.
Protein change: p.Cys1192Ser; replaces cysteine 1192 with serine.
Molecular consequence: missense variant.
Genome position (GRCh38, 1-based): chr14:74,508,681, C>G on the plus strand (G>C on the coding strand, the complement: LTBP2 is on the minus strand). VCF-style: chr14-74508681-C-G. GRCh37 (hg19) VCF-style: chr14-74975384-C-G.
Other names: c.3575G>C (NM_000428.2); short protein forms C1192S.
Identifiers: ClinVar variation 2159999 (VCV002159999.3), dbSNP rs948397179, ClinGen allele CA263583884.